The following is an entry in ClinVar:

ClinVar aggregate classification (germline): Likely pathogenic. Review status: reviewed by expert panel (3 of 4 stars). 2 submissions from 2 submitters: Likely pathogenic (1). 1 of the submissions does not count toward it. Last evaluated 2023-09-07.

Conditions:
Glanzmann thrombasthenia. Also called: BLEEDING DISORDER, PLATELET-TYPE, 2; THROMBASTHENIA OF GLANZMANN AND NAEGELI; PLATELET GLYCOPROTEIN IIb-IIIa DEFICIENCY; Thrombasthenia; Glanzmann's thrombasthenia. Identifiers: Orphanet 849, MedGen C0040015, MONDO:0100326.

Submissions (2):

ClinGen Platelet Disorders Variant Curation Expert Panel, ClinGen
Classification: Likely pathogenic for Glanzmann thrombasthenia. Last evaluated: 2023-09-07. Review status: reviewed by expert panel. Criteria: ClinGen Platelet ACMG Specifications v2-1. Collection method: curation. Allele origin: germline. Inheritance: Autosomal recessive inheritance.
Comment: The NM_000419.5(ITGA2B):c.2602-2A>G variant disrupts the canonical splice acceptor site in intron 25 and is predicted to result in skipping of exon 26, removing 3.9% of the protein (PVS1_moderate). The variant is absent from population database, including gnomADv2.1.1 (PM2_supporting). It is reported in one compound heterozygous individual with the c.2602-3C>A and Thr281Ile (PMID: 25373348). GT16 of PMID: 25373348 meets bleeding phenotype, aggregometry criteria, integrin expression is reported to be <5% reduced by flow cytometry, and all exons of ITGA2B and ITGB3 genes as well as surrounding intron regions were sequenced (PP4_strong). In summary, based on evidence at this time the variant is classified as likely pathogenic for GT. GT-specific criteria applied: PVS1_Moderate, PP4_Strong, PM2_Supporting.

Labcorp Genetics (formerly Invitae), Labcorp
Classification: Likely pathogenic for Glanzmann thrombasthenia. Last evaluated: 2023-01-25. Review status: criteria provided, single submitter. Criteria: Invitae Variant Classification Sherloc (09022015). Collection method: clinical testing. Allele origin: germline. Not counted in ClinVar's aggregate classification.
Comment: This sequence change affects an acceptor splice site in intron 25 of the ITGA2B gene. It is expected to disrupt RNA splicing. Variants that disrupt the donor or acceptor splice site typically lead to a loss of protein function (PMID: 16199547), and loss-of-function variants in ITGA2B are known to be pathogenic (PMID: 21917754). This variant is not present in population databases (gnomAD no frequency). This variant has not been reported in the literature in individuals affected with ITGA2B-related conditions. ClinVar contains an entry for this variant (Variation ID: 1210193). Algorithms developed to predict the effect of sequence changes on RNA splicing suggest that this variant may disrupt the consensus splice site. In summary, the currently available evidence indicates that the variant is pathogenic, but additional data are needed to prove that conclusively. Therefore, this variant has been classified as Likely Pathogenic.

Literature cited by the submitters: PubMed 16199547 (cited by Labcorp Genetics (formerly Invitae), Labcorp); PubMed 21917754 (cited by Labcorp Genetics (formerly Invitae), Labcorp).

NM_000419.5(ITGA2B):c.2602-2A>G

Gene: ITGA2B (integrin subunit alpha 2b; minus strand). Cytogenetic location: 17q21.31.
Variant type: single nucleotide variant.
Coding change: c.2602-2A>G on transcript NM_000419.5 (MANE Select); the canonical splice acceptor site of the intron before coding-DNA position 2602, A replaced by G.
Molecular consequence: splice acceptor variant.
Genome position (GRCh38, 1-based): chr17:44,375,718, T>C on the plus strand (A>G on the coding strand, the complement: ITGA2B is on the minus strand). VCF-style: chr17-44375718-T-C. GRCh37 (hg19) VCF-style: chr17-42453086-T-C.
Identifiers: ClinVar variation 1210193 (VCV001210193.6), dbSNP rs2143436505, ClinGen allele CA399793915.